The following is an entry in ClinVar:

NM_007294.4(BRCA1):c.5277+2217A>G

Gene: BRCA1 (BRCA1 DNA repair associated; minus strand). Cytogenetic location: 17q21.31.
Variant type: single nucleotide variant.
Coding change: c.5277+2217A>G on transcript NM_007294.4 (MANE Select); 2217 bases into the intron after coding-DNA position 5277, A replaced by G.
Molecular consequence: intron variant.
Genome position (GRCh38, 1-based): chr17:43,054,835, T>C on the plus strand (A>G on the coding strand, the complement: BRCA1 is on the minus strand). VCF-style: chr17-43054835-T-C. GRCh37 (hg19) VCF-style: chr17-41206852-T-C.
Other names: IVS 20+2217A>G; c.5013+2217A>G (NM_001407921.1, NM_001407926.1, NM_001407924.1 and 4 more transcripts); c.1824+2217A>G (NM_001408466.1, NM_001408460.1, NM_001408465.1 and 7 more transcripts); c.1827+2217A>G (NM_001408452.1, NM_001408457.1, NM_001408454.1 and 3 more transcripts); c.5130+2217A>G (NM_001407850.1, NM_001407844.1, NM_001407851.1 and 12 more transcripts); c.5133+2217A>G (NM_001407752.1, NM_001407944.1, NM_001407734.1 and 21 more transcripts); c.5136+2217A>G (NM_001407730.1, NM_001407692.1, NM_001407729.1 and 13 more transcripts); c.5007+2217A>G (NM_001407934.1, NM_001407935.1, NM_001407936.1); and 73 more.
Identifiers: ClinVar variation 209282 (VCV000209282.3), dbSNP rs8176287, ClinGen allele CA276254.

ClinVar aggregate classification (germline): Benign. Review status: reviewed by expert panel (3 of 4 stars). 2 submissions from 2 submitters: Benign (1). 1 of the submissions does not count toward it. Last evaluated 2015-01-12.

Conditions:
Breast-ovarian cancer, familial, susceptibility to, 1 (BROVCA1). Also called: BRCA1 Hereditary Breast and Ovarian Cancer; OVARIAN CANCER, SUSCEPTIBILITY TO. Identifiers: Orphanet 145, MedGen C2676676, MONDO:0011450, OMIM 604370. Disease mechanism: loss of function.

Allele frequency attached by ClinVar (database versions not stated): gnomAD 0.15251 and 0.16187; 1000 Genomes Project 0.16673; TOPMed 0.17157; 1000 Genomes Project 30x 0.17458.

Submissions (2):

Evidence-based Network for the Interpretation of Germline Mutant Alleles (ENIGMA)
Classification: Benign for Breast-ovarian cancer, familial 1. Last evaluated: 2015-01-12. Review status: reviewed by expert panel. Criteria: ENIGMA BRCA1/2 Classification Criteria (2015). Collection method: curation. Allele origin: germline.
Comment: Class 1 not pathogenic based on frequency >1% in an outbred sampleset. Frequency 0.4146 (African), 0.01055 (European), derived from 1000 genomes (2012-04-30).

Breakthrough Genomics
Classification: Benign. Review status: criteria provided, single submitter. Criteria: ACMG Guidelines, 2015. Collection method: not provided. Allele origin: germline. Inheritance: Autosomal recessive inheritance. Affected: yes. Not counted in ClinVar's aggregate classification.